The following is an entry in ClinVar:

NM_001367721.1(CASK):c.1583-514A>G

Gene: CASK (calcium/calmodulin dependent serine protein kinase; minus strand). Cytogenetic location: Xp11.4.
Variant type: single nucleotide variant.
Coding change: c.1583-514A>G on transcript NM_001367721.1 (MANE Select); 514 bases into the intron before coding-DNA position 1583, A replaced by G.
Molecular consequence: intron variant.
Genome position (GRCh38, 1-based): chrX:41,562,158, T>C on the plus strand (A>G on the coding strand, the complement: CASK is on the minus strand). VCF-style: chrX-41562158-T-C. GRCh37 (hg19) VCF-style: chrX-41421411-T-C.
Other names: c.1565-514A>G (NM_001126055.3, NM_001410745.1); c.1583-514A>G (NM_001126054.3, NM_003688.4).
Identifiers: ClinVar variation 4538330 (VCV004538330.1).
Genomic context (GRCh38, chrX:41,562,158, plus strand): 5'-AGGCTTAGAACTGTTCTTGGCACATACCAAGCACCATGACAGTGTTGGCTGCTATCGTTA[T>C]CTACCAGATATGATACGAAGGTTGTCAATTTTCCAAGAGTTGTGACATGATAATATCTAC-3'

ClinVar aggregate classification (germline): Uncertain significance (1 of 4 stars; one submission).

Submission:

Greenwood Genetic Center Diagnostic Laboratories, Greenwood Genetic Center
Classification: Uncertain significance. Last evaluated: 2025-06-20. Review status: criteria provided, single submitter. Criteria: ACMG Guidelines, 2015. Collection method: clinical testing. Allele origin: germline. Affected: yes.
Comment: PM2, PP3